The following is an entry in ClinVar:

ClinVar aggregate classification (germline): Uncertain significance. Review status: criteria provided, multiple submitters, no conflicts (2 of 4 stars). 2 submissions from 2 submitters: Uncertain significance (2). Last evaluated 2019-11-15.

Conditions:
Dilated cardiomyopathy 1G (CMD1G). Identifiers: Orphanet 154, MedGen C1858763, MONDO:0011400, OMIM 604145.
Autosomal recessive limb-girdle muscular dystrophy type 2J (LGMDR10). Also called: MUSCULAR DYSTROPHY, LIMB-GIRDLE, AUTOSOMAL RECESSIVE 10; Limb-girdle muscular dystrophy, type 2J. Identifiers: Orphanet 140922, MedGen C1837342, MONDO:0012127, OMIM 608807.

gnomAD v4.1: 2 of 1,606,484 alleles (0.00012%); highest among the groups gnomAD compares: African/African-American, 0.0027%; no homozygotes.

Submissions (2):

GeneDx
Classification: Uncertain significance. Last evaluated: 2019-11-15. Review status: criteria provided, single submitter. Criteria: GeneDx Variant Classification Process June 2021. Collection method: clinical testing. Allele origin: germline. Affected: yes.
Comment: Has not been previously published as pathogenic or benign to our knowledge; Not observed in large population cohorts (Lek et al., 2016); Missense variant in a gene in which most reported pathogenic variants are truncating/loss-of-function

Labcorp Genetics (formerly Invitae), Labcorp
Classification: Uncertain significance for Dilated cardiomyopathy 1G; Autosomal recessive limb-girdle muscular dystrophy type 2J. Last evaluated: 2017-06-14. Review status: criteria provided, single submitter. Criteria: Invitae Variant Classification Sherloc (09022015). Collection method: clinical testing. Allele origin: germline.

NM_001267550.2(TTN):c.96378G>C (p.Trp32126Cys)

Genes: TTN (titin; minus strand), TTN-AS1 (TTN antisense RNA 1; plus strand), LOC126806421 (CDK7 strongly-dependent group 2 enhancer GRCh37_chr2:179407630-179408829; plus strand). Cytogenetic location: 2q31.2.
Variant type: single nucleotide variant.
Coding change: c.96378G>C on transcript NM_001267550.2 (MANE Select); coding-DNA position 96378, G replaced by C.
Protein change: p.Trp32126Cys; replaces tryptophan 32126 with cysteine.
Molecular consequence: missense variant.
Genome position (GRCh38, 1-based): chr2:178,543,595, C>G on the plus strand (G>C on the coding strand, the complement: TTN is on the minus strand). VCF-style: chr2-178543595-C-G. GRCh37 (hg19) VCF-style: chr2-179408322-C-G.
Other names: p.W30485C:TGG>TGC; c.91455G>C, p.Trp30485Cys (NM_001256850.1); c.69183G>C, p.Trp23061Cys (NM_003319.4); c.88674G>C, p.Trp29558Cys (NM_133378.4); c.69558G>C, p.Trp23186Cys (NM_133432.3); c.69759G>C, p.Trp23253Cys (NM_133437.4); short protein forms W30485C, W32126C, W23061C, W23253C, W23186C, W29558C.
Identifiers: ClinVar variation 203022 (VCV000203022.5), dbSNP rs794729542, ClinGen allele CA311004.